The following is an entry in ClinVar:

NM_000256.3(MYBPC3):c.2336A>G (p.Lys779Arg)

Gene: MYBPC3 (myosin binding protein C3; minus strand). Cytogenetic location: 11p11.2.
Variant type: single nucleotide variant.
Coding change: c.2336A>G on transcript NM_000256.3 (MANE Select); coding-DNA position 2336, A replaced by G.
Protein change: p.Lys779Arg; replaces lysine 779 with arginine.
Molecular consequence: missense variant.
Genome position (GRCh38, 1-based): chr11:47,337,767, T>C on the plus strand (A>G on the coding strand, the complement: MYBPC3 is on the minus strand). VCF-style: chr11-47337767-T-C. GRCh37 (hg19) VCF-style: chr11-47359318-T-C.
Other names: short protein forms K779R.
Identifiers: ClinVar variation 1329386 (VCV001329386.13), dbSNP rs774512738, ClinGen allele CA078653.
Genomic context (GRCh38, chr11:47,337,767, plus strand): 5'-CCATCGTAGGCAGGCGGCTCCCACTGTACTGTGCAGGAGTCCTCTCCCACGTTGCTGATC[T>C]TGGGGGCCGCAGGTGCGTCTGGCACGTCTGGATGGGGTGGGATGGACCCACATCAGCCCT-3'
Protein context (NP_000247.2, residues 769-789): IDVPDAPAAP[Lys779Arg]ISNVGEDSCT

ClinVar aggregate classification (germline): Conflicting classifications of pathogenicity. Review status: criteria provided, conflicting classifications (1 of 4 stars). 6 submissions from 6 submitters: Uncertain significance (4); Likely benign (2). Last evaluated 2025-12-15.

Conditions:
Cardiovascular phenotype. Identifiers: MedGen CN230736.
Hypertrophic cardiomyopathy. Also called: HYPERTROPHIC MYOCARDIOPATHY. Identifiers: Orphanet 217569, MedGen C0007194, MeSH D002312, MONDO:0005045, HP:0001639.
Cardiomyopathy (CMYO). Also called: Cardiomyopathies. Identifiers: Orphanet 167848, MedGen C0878544, MONDO:0004994, HP:0001638. Inheritance: Various modes of inheritance.

Allele frequency attached by ClinVar (database versions not stated): gnomAD 0.00001; gnomAD exomes 0.00001 and 0.00002; TOPMed 0.00002.
gnomAD v4.1: 15 of 1,553,496 alleles (0.00097%); highest among the groups gnomAD compares: East Asian, 0.024%; no homozygotes.

Submissions (6):

Labcorp Genetics (formerly Invitae), Labcorp
Classification: Uncertain significance for Hypertrophic cardiomyopathy. Last evaluated: 2025-12-15. Review status: criteria provided, single submitter. Criteria: Invitae Variant Classification Sherloc (09022015). Collection method: clinical testing. Allele origin: germline.
Comment: This sequence change replaces lysine, which is basic and polar, with arginine, which is basic and polar, at codon 779 of the MYBPC3 protein (p.Lys779Arg). This variant is present in population databases (rs774512738, gnomAD 0.03%). This missense change has been observed in individual(s) with hypertrophic cardiomyopathy (PMID: 32815737). ClinVar contains an entry for this variant (Variation ID: 1329386). An algorithm developed to predict the effect of missense changes on protein structure and function outputs the following: PolyPhen-2: "Benign". The arginine amino acid residue is found in multiple mammalian species, which suggests that this missense change does not adversely affect protein function. In summary, the available evidence is currently insufficient to determine the role of this variant in disease. Therefore, it has been classified as a Variant of Uncertain Significance.

Ambry Genetics
Classification: Likely benign for Cardiovascular phenotype. Last evaluated: 2025-03-12. Review status: criteria provided, single submitter. Criteria: Ambry Variant Classification Scheme 2023. Collection method: clinical testing. Allele origin: germline.

Blueprint Genetics
Classification: Likely benign. Last evaluated: 2023-08-23. Review status: criteria provided, single submitter. Criteria: ACMG Guidelines, 2015. Collection method: clinical testing. Allele origin: germline.

All of Us Research Program, National Institutes of Health
Classification: Uncertain significance for Hypertrophic cardiomyopathy. Last evaluated: 2023-06-26. Review status: criteria provided, single submitter. Criteria: ACMG Guidelines, 2015. Collection method: clinical testing. Allele origin: germline. Inheritance: Autosomal dominant inheritance. Observed: 3 variant alleles, 3 heterozygotes.
Comment: This missense variant replaces lysine with arginine at codon 779 of the MYBPC3 protein. Computational prediction suggests that this variant may not impact protein structure and function (internally defined REVEL score threshold <= 0.5, PMID: 27666373). To our knowledge, functional studies have not been reported for this variant. This variant has not been reported in individuals affected with cardiovascular disorders in the literature. This variant has been identified in 3/157548 chromosomes in the general population by the Genome Aggregation Database (gnomAD). The available evidence is insufficient to determine the role of this variant in disease conclusively. Therefore, this variant is classified as a Variant of Uncertain Significance.

This study involves interpretation of variants in research participants for the purpose of population health screening. Participant phenotype was not available at the time of variant classification. Additional details can be found in publication PMID: 35346344, PMCID: PMC8962531

Color Diagnostics, LLC DBA Color Health
Classification: Uncertain significance for Cardiomyopathy. Last evaluated: 2023-05-01. Review status: criteria provided, single submitter. Criteria: ACMG Guidelines, 2015. Collection method: clinical testing. Allele origin: germline.
Comment: This missense variant replaces lysine with arginine at codon 779 of the MYBPC3 protein. Computational prediction suggests that this variant may not impact protein structure and function (internally defined REVEL score threshold <= 0.5, PMID: 27666373). To our knowledge, functional studies have not been reported for this variant. This variant has been reported in an individual affected with hypertrophic cardiomyopathy (PMID: 32815737). This variant has been identified in 3/157548 chromosomes in the general population by the Genome Aggregation Database (gnomAD). The available evidence is insufficient to determine the role of this variant in disease conclusively. Therefore, this variant is classified as a Variant of Uncertain Significance.

CHEO Genetics Diagnostic Laboratory, Children's Hospital of Eastern Ontario
Classification: Uncertain significance for Cardiomyopathy. Last evaluated: 2020-02-19. Review status: criteria provided, single submitter. Criteria: ACMG Guidelines, 2015. Collection method: clinical testing. Allele origin: germline.

Literature cited by the submitters: PubMed 32815737 (cited by 3 submitters).